The following is an entry in ClinVar:

ClinVar aggregate classification (germline): Uncertain significance. Review status: criteria provided, multiple submitters, no conflicts (2 of 4 stars). 2 submissions from 2 submitters: Uncertain significance (2). Last evaluated 2022-04-01.

Conditions:
Phelan-McDermid syndrome. Also called: TELOMERIC 22q13 MONOSOMY SYNDROME; 22q13.3 deletion syndrome; Phelan-McDermid Syndrome-SHANK3 Related. Identifiers: Orphanet 48652, MedGen C1853490, MONDO:0011652, OMIM 606232.

Submissions (2):

CeGaT Center for Human Genetics Tuebingen
Classification: Uncertain significance. Last evaluated: 2022-04-01. Review status: criteria provided, single submitter. Criteria: CeGaT Center For Human Genetics Tuebingen Variant Classification Criteria Version 2. Collection method: clinical testing. Allele origin: germline. Affected: yes. Observed: 1 variant allele.
Comment: SHANK3: PM2, PP2

Institute of Human Genetics, University of Goettingen
Classification: Uncertain significance for Phelan-McDermid syndrome. Last evaluated: 2021-01-15. Review status: criteria provided, single submitter. Criteria: ACMG Guidelines, 2015. Collection method: clinical testing. Allele origin: unknown. Inheritance: Autosomal dominant inheritance. Observed: 1 variant allele, 1 heterozygote.
Comment: The variant c.2423G>C (p.(Arg808Pro)) in exon 21 of the SHANK3-gene is not found in known databases (ExAC or gnomAD), it affects a weakly conserved nucleotide, a moderately conserved amino acid and there is a moderate physicochemical difference between Arg and Pro. This variant has a pathogenic computational verdict based on in silico prediction programs (M-CAP, SIFT, PolyPhen-2). ACMG criteria used for classification: PM2, PP3, BP1.

NM_001372044.2(SHANK3):c.2648G>C (p.Arg883Pro)

Gene: SHANK3 (SH3 and multiple ankyrin repeat domains 3; plus strand). Cytogenetic location: 22q13.33.
Variant type: single nucleotide variant.
Coding change: c.2648G>C on transcript NM_001372044.2 (MANE Select); coding-DNA position 2648, G replaced by C.
Protein change: p.Arg883Pro; replaces arginine 883 with proline.
Molecular consequence: missense variant.
Genome position (GRCh38, 1-based): chr22:50,720,256, G>C. VCF-style: chr22-50720256-G-C. GRCh37 (hg19) VCF-style: chr22-51158684-G-C.
Other names: c.2423G>C (NM_033517.1); short protein forms R883P.
Identifiers: ClinVar variation 995856 (VCV000995856.34), dbSNP rs2083272071, ClinGen allele CA515258711.
Genomic context (GRCh38, chr22:50,720,256, plus strand): 5'-AGCTGGCGTCCCTGCTGGAAGGGCGCTTCCCGCGGAGCACCTCGATGCAAGACCCGGTGC[G>C]CGAGGGTCGCGGCATCCCGCCCCCGCCGCAGACCGCGCCGCCTCCCCCGCCCGCGCCCTA-3'
Protein context (NP_001358973.1, residues 873-893): PRSTSMQDPV[Arg883Pro]EGRGIPPPPQ